The following is an entry in ClinVar:

ClinVar aggregate classification (germline): Uncertain significance (1 of 4 stars; one submission).

Conditions:
Cardiovascular phenotype. Identifiers: MedGen CN230736.

Allele frequency attached by ClinVar (database versions not stated): gnomAD exomes 0.00001.
gnomAD v4.1: 5 of 1,613,974 alleles (0.00031%); highest among the groups gnomAD compares: Non-Finnish European, 0.00042%; no homozygotes.

Submission:

Ambry Genetics
Classification: Uncertain significance for Cardiovascular phenotype. Last evaluated: 2023-09-10. Review status: criteria provided, single submitter. Criteria: Ambry Variant Classification Scheme 2023. Collection method: clinical testing. Allele origin: germline.
Comment: The p.T842A variant (also known as c.2524A>G), located in coding exon 16 of the FLNC gene, results from an A to G substitution at nucleotide position 2524. The threonine at codon 842 is replaced by alanine, an amino acid with similar properties. This amino acid position is conserved. In addition, this alteration is predicted to be deleterious by in silico analysis. Since supporting evidence is limited at this time, the clinical significance of this alteration remains unclear.

NM_001458.5(FLNC):c.2524A>G (p.Thr842Ala)

Gene: FLNC (filamin C; plus strand). Cytogenetic location: 7q32.1.
Variant type: single nucleotide variant.
Coding change: c.2524A>G on transcript NM_001458.5 (MANE Select); coding-DNA position 2524, A replaced by G.
Protein change: p.Thr842Ala; replaces threonine 842 with alanine.
Molecular consequence: missense variant.
Genome position (GRCh38, 1-based): chr7:128,842,928, A>G. VCF-style: chr7-128842928-A-G. GRCh37 (hg19) VCF-style: chr7-128482982-A-G.
Other names: c.2524A>G, p.Thr842Ala (NM_001127487.2); short protein forms T842A.
Identifiers: ClinVar variation 2585969 (VCV002585969.2), dbSNP rs2536632336, ClinGen allele CA369191941.
Genomic context (GRCh38, chr7:128,842,928, plus strand): 5'-ATCAAGAATGACAACGACACCTTCACCGTCAAGTACACGCCACCAGGGGCGGGCCGCTAC[A>G]CCATCATGGTGCTGTTTGCCAACCAGGTACCTAAGCTCCTGGGTACTCACAGCGACATGC-3'
Protein context (NP_001449.3, residues 832-852): KYTPPGAGRY[Thr842Ala]IMVLFANQEI